The following is an entry in ClinVar:

ClinVar aggregate classification (germline): Uncertain significance (1 of 4 stars; one submission).

Conditions:
Loeys-Dietz syndrome 2 (LDS2). Also called: AORTIC ANEURYSM, FAMILIAL THORACIC 3; MARFAN SYNDROME, TYPE II; Marfan Syndrome type 2; Marfan like connective tissue disorder; MFS 2; TGFBR2-Related Loeys-Dietz Syndrome. Identifiers: Orphanet 284973, Orphanet 558, MedGen C2674574, MONDO:0012427, OMIM 610168.

Submission:

Labcorp Genetics (formerly Invitae), Labcorp
Classification: Uncertain significance for Loeys-Dietz syndrome 2. Last evaluated: 2024-02-17. Review status: criteria provided, single submitter. Criteria: Invitae Variant Classification Sherloc (09022015). Collection method: clinical testing. Allele origin: germline.
Comment: This sequence change replaces proline, which is neutral and non-polar, with serine, which is neutral and polar, at codon 131 of the TMPO protein (p.Pro131Ser). This variant is not present in population databases (gnomAD no frequency). This variant has not been reported in the literature in individuals affected with TMPO-related conditions. ClinVar contains an entry for this variant (Variation ID: 2052494). An algorithm developed to predict the effect of missense changes on protein structure and function (PolyPhen-2) suggests that this variant is likely to be disruptive. In summary, the available evidence is currently insufficient to determine the role of this variant in disease. Therefore, it has been classified as a Variant of Uncertain Significance.

NM_001032283.3(TMPO):c.391C>T (p.Pro131Ser)

Gene: TMPO (thymopoietin; plus strand). Cytogenetic location: 12q23.1.
Variant type: single nucleotide variant.
Coding change: c.391C>T on transcript NM_001032283.3 (MANE Select); coding-DNA position 391, C replaced by T.
Protein change: p.Pro131Ser; replaces proline 131 with serine.
Molecular consequence: missense variant.
Genome position (GRCh38, 1-based): chr12:98,527,997, C>T. VCF-style: chr12-98527997-C-T. GRCh37 (hg19) VCF-style: chr12-98921775-C-T.
Other names: c.391C>T, p.Pro131Ser (NM_001032284.3, NM_001307975.2, NM_003276.2); short protein forms P131S.
Identifiers: ClinVar variation 2052494 (VCV002052494.4), dbSNP rs2548499011, ClinGen allele CA386150938.